The following is an entry in ClinVar:

ClinVar aggregate classification (germline): Pathogenic (1 of 4 stars; one submission).

Conditions:
Alkuraya-Kucinskas syndrome. Identifiers: Orphanet 610569, MedGen C4693347, MONDO:0060631, OMIM 617822.

Allele frequency attached by ClinVar (database versions not stated): ExAC 0.00001; gnomAD exomes 0.00001; TOPMed 0.00002; gnomAD 0.00003.
gnomAD v4.1: 20 of 1,613,934 alleles (0.0012%); highest among the groups gnomAD compares: Middle Eastern, 0.016%; no homozygotes.

Submission:

Women's Health and Genetics/Laboratory Corporation of America, LabCorp
Classification: Pathogenic for Alkuraya-Kucinskas syndrome. Last evaluated: 2024-01-19. Review status: criteria provided, single submitter. Criteria: LabCorp Variant Classification Summary - May 2015. Collection method: clinical testing. Allele origin: germline.
Comment: Variant summary: KIAA1109 c.3925C>T (p.Arg1309X) results in a premature termination codon, predicted to cause a truncation of the encoded protein or absence of the protein due to nonsense mediated decay, which are commonly known mechanisms for disease. The variant allele was found at a frequency of 4e-06 in 249486 control chromosomes (gnomAD). To our knowledge, no occurrence of c.3925C>T in individuals affected with Alkuraya-Kucinskas Syndrome and no experimental evidence demonstrating its impact on protein function have been reported. No submitters have cited clinical-significance assessments for this variant to ClinVar. Based on the evidence outlined above, the variant was classified as pathogenic.

NM_001384125.1(BLTP1):c.3925C>T (p.Arg1309Ter)

Gene: BLTP1 (bridge-like lipid transfer protein family member 1; plus strand). Cytogenetic location: 4q27.
Variant type: single nucleotide variant.
Coding change: c.3925C>T on transcript NM_001384125.1 (MANE Select); coding-DNA position 3925, C replaced by T.
Protein change: p.Arg1309Ter; replaces arginine 1309 with a stop codon.
Molecular consequence: nonsense.
Genome position (GRCh38, 1-based): chr4:122,239,607, C>T. VCF-style: chr4-122239607-C-T. GRCh37 (hg19) VCF-style: chr4-123160762-C-T.
Other names: c.3925C>T, p.Arg1309Ter (NM_015312.4); short protein forms R1309*.
Identifiers: ClinVar variation 3063996 (VCV003063996.1), dbSNP rs752887801, ClinGen allele CA3066271.